The following is an entry in ClinVar:

ClinVar aggregate classification (germline): Uncertain significance (1 of 4 stars; one submission).

Conditions:
Werner syndrome (WRN). Identifiers: Orphanet 902, MedGen C0043119, MONDO:0010196, OMIM 277700.

Allele frequency attached by ClinVar (database versions not stated): gnomAD exomes below 0.00001; ExAC 0.00001.
gnomAD v4.1: 1 of 1,614,116 alleles (0.000062%); highest among the groups gnomAD compares: Non-Finnish European, 0.000085%; no homozygotes.

Submission:

Labcorp Genetics (formerly Invitae), Labcorp
Classification: Uncertain significance for Werner syndrome. Last evaluated: 2022-07-03. Review status: criteria provided, single submitter. Criteria: Invitae Variant Classification Sherloc (09022015). Collection method: clinical testing. Allele origin: germline.
Comment: This variant has not been reported in the literature in individuals affected with WRN-related conditions. This variant is present in population databases (rs778382412, gnomAD 0.003%). This sequence change replaces glutamine, which is neutral and polar, with histidine, which is basic and polar, at codon 1021 of the WRN protein (p.Gln1021His). In summary, the available evidence is currently insufficient to determine the role of this variant in disease. Therefore, it has been classified as a Variant of Uncertain Significance. Algorithms developed to predict the effect of missense changes on protein structure and function output the following: SIFT: "Not Available"; PolyPhen-2: "Benign"; Align-GVGD: "Not Available". The histidine amino acid residue is found in multiple mammalian species, which suggests that this missense change does not adversely affect protein function. ClinVar contains an entry for this variant (Variation ID: 845463).

NM_000553.6(WRN):c.3063G>T (p.Gln1021His)

Gene: WRN (WRN RecQ like helicase; plus strand). Cytogenetic location: 8p12.
Variant type: single nucleotide variant.
Coding change: c.3063G>T on transcript NM_000553.6 (MANE Select); coding-DNA position 3063, G replaced by T.
Protein change: p.Gln1021His; replaces glutamine 1021 with histidine.
Molecular consequence: missense variant.
Genome position (GRCh38, 1-based): chr8:31,141,525, G>T. VCF-style: chr8-31141525-G-T. GRCh37 (hg19) VCF-style: chr8-30999041-G-T.
Other names: short protein forms Q1021H.
Identifiers: ClinVar variation 845463 (VCV000845463.6), dbSNP rs778382412, ClinGen allele CA4704928.